The following is an entry in ClinVar:

NM_000182.5(HADHA):c.1652T>G (p.Leu551Arg)

Genes: HADHA (hydroxyacyl-CoA dehydrogenase trifunctional multienzyme complex subunit alpha; minus strand), GAREM2 (GRB2 associated regulator of MAPK1 subtype 2; plus strand). Cytogenetic location: 2p23.3.
Variant type: single nucleotide variant.
Coding change: c.1652T>G on transcript NM_000182.5 (MANE Select); coding-DNA position 1652, T replaced by G.
Protein change: p.Leu551Arg; replaces leucine 551 with arginine.
Molecular consequence: missense variant.
Genome position (GRCh38, 1-based): chr2:26,194,607, A>C on the plus strand (T>G on the coding strand, the complement: HADHA is on the minus strand). VCF-style: chr2-26194607-A-C. GRCh37 (hg19) VCF-style: chr2-26417476-A-C.
Other names: short protein forms L551R.
Identifiers: ClinVar variation 2130580 (VCV002130580.4), dbSNP rs2465515865, ClinGen allele CA346119375.
Genomic context (GRCh38, chr2:26,194,607, plus strand): 5'-ACACTCTGGAGAGCAATACCAACCTGGAGGATTCGGATGACTTCAGACATCATGGGCGCA[A>C]GACACCTGGTAGTATAGAAGCCAGGTCCATCCTGCCAAGGAAGAGAACATGAGCTCCCTG-3'
Protein context (NP_000173.2, residues 541-561): DGPGFYTTRC[Leu551Arg]APMMSEVIRI

ClinVar aggregate classification (germline): Uncertain significance (1 of 4 stars; one submission).

Conditions:
Long chain 3-hydroxyacyl-CoA dehydrogenase deficiency. Also called: Deficiency of long-chain 3-hydroxyacyl-coenzyme A dehydrogenase; LCHAD Deficiency. Identifiers: Orphanet 5, MedGen C3711645, MONDO:0012173, OMIM 609016.
Mitochondrial trifunctional protein deficiency. Identifiers: Orphanet 746, MedGen C1969443, MONDO:0012172.

Submission:

Labcorp Genetics (formerly Invitae), Labcorp
Classification: Uncertain significance for Mitochondrial trifunctional protein deficiency; Long chain 3-hydroxyacyl-CoA dehydrogenase deficiency. Last evaluated: 2025-06-09. Review status: criteria provided, single submitter. Criteria: Invitae Variant Classification Sherloc (09022015). Collection method: clinical testing. Allele origin: germline.
Comment: This sequence change replaces leucine, which is neutral and non-polar, with arginine, which is basic and polar, at codon 551 of the HADHA protein (p.Leu551Arg). This variant is not present in population databases (gnomAD no frequency). This variant has not been reported in the literature in individuals affected with HADHA-related conditions. ClinVar contains an entry for this variant (Variation ID: 2130580). Invitae Evidence Modeling of protein sequence and biophysical properties (such as structural, functional, and spatial information, amino acid conservation, physicochemical variation, residue mobility, and thermodynamic stability) has been performed for this missense variant. However, the output from this modeling did not meet the statistical confidence thresholds required to predict the impact of this variant on HADHA protein function. In summary, the available evidence is currently insufficient to determine the role of this variant in disease. Therefore, it has been classified as a Variant of Uncertain Significance.